The following is an entry in ClinVar:

ClinVar aggregate classification (germline): Uncertain significance (1 of 4 stars; one submission).

Conditions:
Ehlers-Danlos syndrome, classic type, 1 (EDSCL1). Also called: EHLERS-DANLOS SYNDROME, GRAVIS TYPE; EHLERS-DANLOS SYNDROME, SEVERE CLASSIC TYPE; Ehlers-Danlos syndrome, type 1; Ehlers-Danlos Syndrome, Classic Type, COL5A1-Related; EDS I. Identifiers: MedGen C0268335, MONDO:0019567, OMIM 130000.

Submission:

Labcorp Genetics (formerly Invitae), Labcorp
Classification: Uncertain significance for Ehlers-Danlos syndrome, classic type, 1. Last evaluated: 2025-11-11. Review status: criteria provided, single submitter. Criteria: Invitae Variant Classification Sherloc (09022015). Collection method: clinical testing. Allele origin: germline.
Comment: This sequence change replaces glutamic acid, which is acidic and polar, with glycine, which is neutral and non-polar, at codon 1352 of the COL5A1 protein (p.Glu1352Gly). This variant is not present in population databases (gnomAD no frequency). This variant has not been reported in the literature in individuals affected with COL5A1-related conditions. Invitae Evidence Modeling of protein sequence and biophysical properties (such as structural, functional, and spatial information, amino acid conservation, physicochemical variation, residue mobility, and thermodynamic stability) indicates that this missense variant is not expected to disrupt COL5A1 protein function with a negative predictive value of 95%. In summary, the available evidence is currently insufficient to determine the role of this variant in disease. Therefore, it has been classified as a Variant of Uncertain Significance.

NM_000093.5(COL5A1):c.4055A>G (p.Glu1352Gly)

Gene: COL5A1 (collagen type V alpha 1 chain; plus strand). Cytogenetic location: 9q34.3.
Variant type: single nucleotide variant.
Coding change: c.4055A>G on transcript NM_000093.5 (MANE Select); coding-DNA position 4055, A replaced by G.
Protein change: p.Glu1352Gly; replaces glutamic acid 1352 with glycine.
Molecular consequence: missense variant.
Genome position (GRCh38, 1-based): chr9:134,815,616, A>G. VCF-style: chr9-134815616-A-G. GRCh37 (hg19) VCF-style: chr9-137707462-A-G.
Other names: c.4055A>G, p.Glu1352Gly (NM_001278074.1); short protein forms E1352G.
Identifiers: ClinVar variation 4797960 (VCV004797960.1).